The following is an entry in ClinVar:

ClinVar aggregate classification (germline): Uncertain significance. Review status: criteria provided, multiple submitters, no conflicts (2 of 4 stars). 7 submissions from 7 submitters: Uncertain significance (7). Last evaluated 2026-09-14.

Conditions:
Autosomal recessive limb-girdle muscular dystrophy type 2L (LGMDR12). Also called: MUSCULAR DYSTROPHY, LIMB-GIRDLE, AUTOSOMAL RECESSIVE 12; Limb-girdle muscular dystrophy, type 2L; Limb-Girdle Muscular Dystrophy R12 Anoctamin-5-Related (LGMD-R12). Identifiers: Orphanet 206549, MedGen C1969785, MONDO:0012652, OMIM 611307.
Gnathodiaphyseal dysplasia (GDD). Also called: OSTEOGENESIS IMPERFECTA WITH UNUSUAL SKELETAL LESIONS; GNATHODIAPHYSEAL SCLEROSIS. Identifiers: Orphanet 53697, MedGen C1833736, MONDO:0008151, OMIM 166260.
ANO5-related disorder. Also called: ANO5-related disorders; ANO5-related condition. Identifiers: MedGen CN239193.

Allele frequency attached by ClinVar (database versions not stated): gnomAD exomes 0.00001 and 0.00005; ExAC 0.00004; gnomAD 0.00004; TOPMed 0.00006; ESP Exome Variant Server 0.00008.
gnomAD v4.1: 29 of 1,613,396 alleles (0.0018%); highest among the groups gnomAD compares: Admixed American, 0.013%; no homozygotes.

Submissions (7):

PreventionGenetics, part of Exact Sciences
Classification: Uncertain significance for ANO5-related condition. Last evaluated: 2026-09-14. Review status: criteria provided, single submitter. Criteria: ACMG Guidelines, 2015. Collection method: clinical testing. Allele origin: germline.
Comment: The ANO5 c.583C>T variant is predicted to result in the amino acid substitution p.Arg195Trp. To our knowledge, this variant has not been reported in the literature. This variant is reported in 0.026% of alleles in individuals of Latino descent in gnomAD. At this time, the clinical significance of this variant is uncertain due to the absence of conclusive functional and genetic evidence.

Labcorp Genetics (formerly Invitae), Labcorp
Classification: Uncertain significance for Autosomal recessive limb-girdle muscular dystrophy type 2L; Gnathodiaphyseal dysplasia. Last evaluated: 2026-01-08. Review status: criteria provided, single submitter. Criteria: Invitae Variant Classification Sherloc (09022015). Collection method: clinical testing. Allele origin: germline.
Comment: This sequence change replaces arginine, which is basic and polar, with tryptophan, which is neutral and slightly polar, at codon 195 of the ANO5 protein (p.Arg195Trp). This variant is present in population databases (rs149040903, gnomAD 0.02%). This missense change has been observed in individual(s) with limb-girdle muscular dystrophy (PMID: 39678382). ClinVar contains an entry for this variant (Variation ID: 501105). Invitae Evidence Modeling of protein sequence and biophysical properties (such as structural, functional, and spatial information, amino acid conservation, physicochemical variation, residue mobility, and thermodynamic stability) has been performed for this missense variant. However, the output from this modeling did not meet the statistical confidence thresholds required to predict the impact of this variant on ANO5 protein function. In summary, the available evidence is currently insufficient to determine the role of this variant in disease. Therefore, it has been classified as a Variant of Uncertain Significance.

CeGaT Center for Human Genetics Tuebingen
Classification: Uncertain significance. Last evaluated: 2024-05-01. Review status: criteria provided, single submitter. Criteria: CeGaT Center For Human Genetics Tuebingen Variant Classification Criteria Version 2. Collection method: clinical testing. Allele origin: germline. Affected: yes. Observed: 1 variant allele.
Comment: ANO5: PM2, PM3:Supporting, BP4

Revvity Omics, Revvity
Classification: Uncertain significance. Last evaluated: 2024-02-28. Review status: criteria provided, single submitter. Criteria: ACMG Guidelines, 2015. Collection method: clinical testing. Allele origin: germline.

GeneDx
Classification: Uncertain significance. Last evaluated: 2019-03-20. Review status: criteria provided, single submitter. Criteria: GeneDx Variant Classification Process June 2021. Collection method: clinical testing. Allele origin: germline. Affected: yes.
Comment: In silico analysis, which includes protein predictors and evolutionary conservation, supports a deleterious effect; Has not been previously published as pathogenic or benign to our knowledge

Athena Diagnostics
Classification: Uncertain significance. Last evaluated: 2018-08-21. Review status: criteria provided, single submitter. Criteria: Athena Diagnostics Criteria. Collection method: clinical testing. Allele origin: germline.

Eurofins Ntd Llc (ga)
Classification: Uncertain significance. Last evaluated: 2017-03-31. Review status: criteria provided, single submitter. Criteria: EGL Classification Definitions 2015. Collection method: clinical testing. Allele origin: germline. Observed: 2 variant alleles, 2 heterozygotes.

Literature cited by the submitters: PubMed 39678382 (cited by Labcorp Genetics (formerly Invitae), Labcorp).

NM_213599.3(ANO5):c.583C>T (p.Arg195Trp)

Gene: ANO5 (anoctamin 5; plus strand). Cytogenetic location: 11p14.3.
Variant type: single nucleotide variant.
Coding change: c.583C>T on transcript NM_213599.3 (MANE Select); coding-DNA position 583, C replaced by T.
Protein change: p.Arg195Trp; replaces arginine 195 with tryptophan.
Molecular consequence: missense variant.
Genome position (GRCh38, 1-based): chr11:22,227,521, C>T. VCF-style: chr11-22227521-C-T. GRCh37 (hg19) VCF-style: chr11-22249067-C-T.
Other names: c.580C>T, p.Arg194Trp (NM_001142649.2); short protein forms R195W, R194W.
Identifiers: ClinVar variation 501105 (VCV000501105.38), dbSNP rs149040903, ClinGen allele CA5922950.